The following is an entry in ClinVar:

ClinVar aggregate classification (germline): Likely benign. Review status: criteria provided, single submitter (1 of 4 stars). 2 submissions from 2 submitters: Likely benign (1). 1 of the submissions does not count toward it. Last evaluated 2025-09-09.

Conditions:
Immunodeficiency, common variable, 10. Also called: IMMUNODEFICIENCY, COMMON VARIABLE, WITH CENTRAL ADRENAL INSUFFICIENCY; DEFICIT IN ANTERIOR PITUITARY FUNCTION AND VARIABLE IMMUNODEFICIENCY. Identifiers: MedGen C3809991, MONDO:0014260, OMIM 615577.
NFKB2-related disorder. Also called: NFKB2-related condition.

Allele frequency attached by ClinVar (database versions not stated): gnomAD 0.00005 and 0.00006; TOPMed 0.00011.

Submissions (2):

Labcorp Genetics (formerly Invitae), Labcorp
Classification: Likely benign for Immunodeficiency, common variable, 10. Last evaluated: 2025-09-09. Review status: criteria provided, single submitter. Criteria: Invitae Variant Classification Sherloc (09022015). Collection method: clinical testing. Allele origin: germline.

PreventionGenetics, part of Exact Sciences
Classification: Likely benign for NFKB2-related condition. Last evaluated: 2023-11-08. Review status: no assertion criteria provided. Collection method: clinical testing. Allele origin: germline. Not counted in ClinVar's aggregate classification.
Comment: This variant is classified as likely benign based on ACMG/AMP sequence variant interpretation guidelines (Richards et al. 2015 PMID: 25741868, with internal and published modifications).

NM_001322934.2(NFKB2):c.2286C>T (p.Ser762=)

Gene: NFKB2 (nuclear factor kappa B subunit 2; plus strand). Cytogenetic location: 10q24.32.
Variant type: single nucleotide variant.
Coding change: c.2286C>T on transcript NM_001322934.2 (MANE Select); coding-DNA position 2286, C replaced by T.
Protein change: p.Ser762=; no amino-acid change (serine 762 retained).
Molecular consequence: synonymous variant.
Genome position (GRCh38, 1-based): chr10:102,401,511, C>T. VCF-style: chr10-102401511-C-T. GRCh37 (hg19) VCF-style: chr10-104161268-C-T.
Other names: c.2286C>T, p.Ser762= (NM_001077494.3, NM_001261403.3, NM_001288724.1 and 2 more transcripts); c.2160C>T, p.Ser720= (NM_001322935.1).
Identifiers: ClinVar variation 474783 (VCV000474783.12), dbSNP rs899733509, ClinGen allele CA212218514.